The following is an entry in ClinVar:

NM_007294.4(BRCA1):c.2012G>A (p.Gly671Asp)

Gene: BRCA1 (BRCA1 DNA repair associated; minus strand). Cytogenetic location: 17q21.31.
Variant type: single nucleotide variant.
Coding change: c.2012G>A on transcript NM_007294.4 (MANE Select); coding-DNA position 2012, G replaced by A.
Protein change: p.Gly671Asp; replaces glycine 671 with aspartic acid.
Molecular consequence: missense variant. On other transcripts: intron variant (137).
Genome position (GRCh38, 1-based): chr17:43,093,519, C>T on the plus strand (G>A on the coding strand, the complement: BRCA1 is on the minus strand). VCF-style: chr17-43093519-C-T. GRCh37 (hg19) VCF-style: chr17-41245536-C-T.
Other names: c.1745G>A, p.Gly582Asp (NM_001407931.1, NM_001407932.1, NM_001407934.1 and 2 more transcripts); c.1748G>A, p.Gly583Asp (NM_001407933.1, NM_001407935.1, NM_001407920.1 and 9 more transcripts); c.1889G>A, p.Gly630Asp (NM_001407939.1, NM_001407937.1, NM_001407938.1 and 19 more transcripts); c.1886G>A, p.Gly629Asp (NM_001407940.1, NM_001407941.1, NM_001407649.1 and 11 more transcripts); c.1871G>A, p.Gly624Asp (NM_001407942.1, NM_001407944.1, NM_001407945.1 and 29 more transcripts); c.1868G>A, p.Gly623Asp (NM_001407943.1, NM_001407740.1, NM_001407741.1 and 20 more transcripts); c.1679G>A, p.Gly560Asp (NM_001407946.1, NM_001407947.1, NM_001407948.1 and 6 more transcripts); c.1799G>A, p.Gly600Asp (NM_001407571.1, NM_001407853.1, NM_001407894.1 and 9 more transcripts); and 40 more; short protein forms G375D, G559D, G560D, G600D, G623D, G644D, G670D, G543D.
Identifiers: ClinVar variation 4706057 (VCV004706057.1).

ClinVar aggregate classification (germline): Uncertain significance (1 of 4 stars; one submission).

Conditions:
Hereditary breast ovarian cancer syndrome. Also called: BRCA1- and BRCA2-Associated Hereditary Breast and Ovarian Cancer; Breast and ovarian cancer; Hereditary breast and ovarian cancer; Hereditary breast and ovarian cancer syndrome (HBOC); Hereditary breast and ovarian cancer syndrome; Hereditary breast and/or ovarian cancer syndrome. Identifiers: Orphanet 145, MedGen C0677776, MeSH D061325, MONDO:0003582. Disease mechanism: loss of function.

Submission:

Labcorp Genetics (formerly Invitae), Labcorp
Classification: Uncertain significance for Hereditary breast ovarian cancer syndrome. Last evaluated: 2025-03-26. Review status: criteria provided, single submitter. Criteria: Invitae Variant Classification Sherloc (09022015). Collection method: clinical testing. Allele origin: germline.
Comment: This sequence change replaces glycine, which is neutral and non-polar, with aspartic acid, which is acidic and polar, at codon 671 of the BRCA1 protein (p.Gly671Asp). This variant is not present in population databases (gnomAD no frequency). This variant has not been reported in the literature in individuals affected with BRCA1-related conditions. Invitae Evidence Modeling of protein sequence and biophysical properties (such as structural, functional, and spatial information, amino acid conservation, physicochemical variation, residue mobility, and thermodynamic stability) indicates that this missense variant is not expected to disrupt BRCA1 protein function with a negative predictive value of 80%. In summary, the available evidence is currently insufficient to determine the role of this variant in disease. Therefore, it has been classified as a Variant of Uncertain Significance.